The following is an entry in ClinVar:

ClinVar aggregate classification (germline): Pathogenic (1 of 4 stars; one submission).

Conditions:
BBS2-related ciliopathy. Identifiers: MedGen CN378634, MONDO:1040048.

Submission:

Myriad Genetics, Inc.
Classification: Pathogenic for BBS2-related ciliopathy. Last evaluated: 2025-01-26. Review status: criteria provided, single submitter. Criteria: Myriad Autosomal Dominant, Autosomal Recessive and X-Linked Classification Criteria (2023). Collection method: clinical testing. Allele origin: unknown.
Comment: NM_031885.3(BBS2):c.1498_1502del5(N500Yfs*50) is expected to be pathogenic in the context of Bardet-Biedl syndrome, BBS2-related. This variant is predicted to lead to an abnormal or absent protein product due to the creation of a premature termination codon in BBS2, a gene where loss-of-function variants are known to be pathogenic. Please note: this variant was assessed in the context of healthy population screening.

NM_031885.5(BBS2):c.1498_1502del (p.Asn500fs)

Gene: BBS2 (Bardet-Biedl syndrome 2; minus strand). Cytogenetic location: 16q13.
Variant type: Deletion.
Coding change: c.1498_1502del on transcript NM_031885.5 (MANE Select); coding-DNA positions 1498 to 1502, 5 bases deleted (AACTT; older notation c.1498_1502delAACTT).
Protein change: p.Asn500fs; shifts the reading frame from asparagine 500.
Molecular consequence: frameshift variant. On other transcripts: non-coding transcript variant (5).
Genome position (GRCh38, 1-based): chr16:56,499,803-56,499,807, AAGTT deleted on the plus strand (AACTT on the coding strand, the reverse complement: BBS2 is on the minus strand); deleting any 5 consecutive bases within chr16:56,499,803-56,499,809 gives the same sequence; the c. name uses the placement nearest the transcript's 3' end. VCF-style (leftmost placement, unchanged base first): chr16-56499802-AAAGTT-A. GRCh37 (hg19) VCF-style: chr16-56533714-AAAGTT-A.
Other names: c.1498_1502del, p.Asn500fs (NM_001377456.1); short protein forms N500fs.
Identifiers: ClinVar variation 5014022 (VCV005014022.1).